The following is an entry in ClinVar:

ClinVar aggregate classification (germline): Likely pathogenic (1 of 4 stars; one submission).

Conditions:
Hypertrophic cardiomyopathy 11. Also called: ACTC1-Related Familial Hypertrophic Cardiomyopathy. Identifiers: MedGen C2677506, MONDO:0012799, OMIM 612098.
Dilated cardiomyopathy 1R (CMD1R). Identifiers: Orphanet 154, Orphanet 54260, MedGen C3150681, MONDO:0013261, OMIM 613424.
Atrial septal defect 5 (ASD5). Identifiers: Orphanet 1478, MedGen C2748552, MONDO:0013011, OMIM 612794.

Submission:

Labcorp Genetics (formerly Invitae), Labcorp
Classification: Likely pathogenic for Dilated cardiomyopathy 1R; Hypertrophic cardiomyopathy 11; Atrial septal defect 5. Last evaluated: 2022-08-09. Review status: criteria provided, single submitter. Criteria: Invitae Variant Classification Sherloc (09022015). Collection method: clinical testing. Allele origin: germline.
Comment: In summary, the currently available evidence indicates that the variant is pathogenic, but additional data are needed to prove that conclusively. Therefore, this variant has been classified as Likely Pathogenic. Algorithms developed to predict the effect of missense changes on protein structure and function (SIFT, PolyPhen-2, Align-GVGD) all suggest that this variant is likely to be disruptive. This missense change has been observed in individual(s) with clinical features of ACTC1-related conditions (Invitae). In at least one individual the variant was observed to be de novo. This variant is not present in population databases (gnomAD no frequency). This sequence change replaces isoleucine, which is neutral and non-polar, with asparagine, which is neutral and polar, at codon 194 of the ACTC1 protein (p.Ile194Asn).

NM_005159.5(ACTC1):c.581T>A (p.Ile194Asn)

Genes: ACTC1 (actin alpha cardiac muscle 1; minus strand), GJD2-DT (GJD2 divergent transcript; plus strand). Cytogenetic location: 15q14.
Variant type: single nucleotide variant.
Coding change: c.581T>A on transcript NM_005159.5 (MANE Select); coding-DNA position 581, T replaced by A.
Protein change: p.Ile194Asn; replaces isoleucine 194 with asparagine.
Molecular consequence: missense variant.
Genome position (GRCh38, 1-based): chr15:34,792,443, A>T on the plus strand (T>A on the coding strand, the complement: ACTC1 is on the minus strand). VCF-style: chr15-34792443-A-T. GRCh37 (hg19) VCF-style: chr15-35084644-A-T.
Other names: c.581T>A, p.Ile194Asn (NM_001406482.1, NM_001406483.1); c.446T>A, p.Ile149Asn (NM_001406484.1); c.140T>A, p.Ile47Asn (NM_001406485.1); short protein forms I47N, I149N, I194N.
Identifiers: ClinVar variation 2015662 (VCV002015662.4), dbSNP rs2504180886, ClinGen allele CA391630919.
Genomic context (GRCh38, chr15:34,792,443, plus strand): 5'-TGGCAGATGAGACACACACACTCACCAGTGGTGACAAAGGAGTAGCCACGCTCAGTGAGG[A>T]TCTTCATGAGGTAGTCAGTGAGGTCCCGACCAGCCAGATCCAGACGCATGATGGCATGGG-3'
Protein context (NP_005150.1, residues 184-204): GRDLTDYLMK[Ile194Asn]LTERGYSFVT